The following is an entry in ClinVar:

NM_000821.7(GGCX):c.388A>G (p.Met130Val)

Gene: GGCX (gamma-glutamyl carboxylase; minus strand). Cytogenetic location: 2p11.2.
Variant type: single nucleotide variant.
Coding change: c.388A>G on transcript NM_000821.7 (MANE Select); coding-DNA position 388, A replaced by G.
Protein change: p.Met130Val; replaces methionine 130 with valine.
Molecular consequence: missense variant. On other transcripts: 3 prime UTR variant (1).
Genome position (GRCh38, 1-based): chr2:85,558,591, T>C on the plus strand (A>G on the coding strand, the complement: GGCX is on the minus strand). VCF-style: chr2-85558591-T-C. GRCh37 (hg19) VCF-style: chr2-85785714-T-C.
Other names: c.217A>G, p.Met73Val (NM_001142269.4); c.*300A>G (NM_001311312.2); short protein forms M73V, M130V.
Identifiers: ClinVar variation 2126381 (VCV002126381.4), dbSNP rs1188116267, ClinGen allele CA347491546.

ClinVar aggregate classification (germline): Uncertain significance (1 of 4 stars; one submission).

Allele frequency attached by ClinVar (database versions not stated): gnomAD 0.00001; gnomAD exomes 0.00001; TOPMed 0.00001.

Submission:

Labcorp Genetics (formerly Invitae), Labcorp
Classification: Uncertain significance. Last evaluated: 2024-05-22. Review status: criteria provided, single submitter. Criteria: Invitae Variant Classification Sherloc (09022015). Collection method: clinical testing. Allele origin: germline.
Comment: This sequence change replaces methionine, which is neutral and non-polar, with valine, which is neutral and non-polar, at codon 130 of the GGCX protein (p.Met130Val). The frequency data for this variant in the population databases is considered unreliable, as metrics indicate poor data quality at this position in the gnomAD database. This variant has not been reported in the literature in individuals affected with GGCX-related conditions. ClinVar contains an entry for this variant (Variation ID: 2126381). An algorithm developed to predict the effect of missense changes on protein structure and function (PolyPhen-2) suggests that this variant is likely to be tolerated. In summary, the available evidence is currently insufficient to determine the role of this variant in disease. Therefore, it has been classified as a Variant of Uncertain Significance.